The following is an entry in ClinVar:

NM_000277.3(PAH):c.241A>C (p.Thr81Pro)

Gene: PAH (phenylalanine hydroxylase; minus strand). Cytogenetic location: 12q23.2.
Variant type: single nucleotide variant.
Coding change: c.241A>C on transcript NM_000277.3 (MANE Select); coding-DNA position 241, A replaced by C.
Protein change: p.Thr81Pro; replaces threonine 81 with proline.
Molecular consequence: missense variant.
Genome position (GRCh38, 1-based): chr12:102,894,846, T>G on the plus strand (A>C on the coding strand, the complement: PAH is on the minus strand). VCF-style: chr12-102894846-T-G. GRCh37 (hg19) VCF-style: chr12-103288624-T-G.
Other names: NM_000277.3(PAH):c.241A>C; p.Thr81Pro; c.241A>C, p.Thr81Pro (NM_001354304.2); short protein forms T81P.
Identifiers: ClinVar variation 102637 (VCV000102637.16), dbSNP rs62509017, ClinGen allele CA229497.

ClinVar aggregate classification (germline): Likely pathogenic. Review status: reviewed by expert panel (3 of 4 stars). 7 submissions from 7 submitters: Likely pathogenic (1). 6 of the submissions do not count toward it. Last evaluated 2024-11-17.

Conditions:
PAH-related disorder. Also called: PAH-related condition.
Phenylketonuria (PKU). Also called: Phenylketonuria (PKU); FOLLING DISEASE; OLIGOPHRENIA PHENYLPYRUVICA; Phenylketonurias. Identifiers: Orphanet 716, MedGen C0031485, MONDO:0009861, OMIM 261600. Disease mechanism: loss of function.

Allele frequency attached by ClinVar (database versions not stated): gnomAD 0.00001; gnomAD exomes 0.00001; TOPMed 0.00002.
gnomAD v4.1: 9 of 1,613,656 alleles (0.00056%); highest among the groups gnomAD compares: Non-Finnish European, 0.00076%; no homozygotes.

Submissions (7):

ClinGen PAH Variant Curation Expert Panel
Classification: Likely pathogenic for Phenylketonuria. Last evaluated: 2024-11-17. Review status: reviewed by expert panel. Criteria: ClinGen PAH ACMG Specifications v1. Collection method: curation. Allele origin: germline. Inheritance: Autosomal recessive inheritance.
Comment: The c.241A>C (p.Thr81Pro) variant in PAH has been reported in at least two individuals with classic PKU, where it was observed without confirmed phase with c.117C>G (p.Phe39Leu) (classified as pathogenic by PAH VCEP Variation ID 605) and c.842+1G>A (classified as pathogenic by PAH VCEP Variation ID 599) (PMID: 8659548, PMID: 9169088, PMID: 11328945). It has also been described without a specified subtype or phase with two additional pathogenic variants: p.R408W (Variation ID: 577, PMID: 23430918); c.822_832del (p.Lys274fs) (Variation ID: 102852, PMID: 23430918). Exclusion of BH4 deficiency was not specified. In-vitro functional studies are unavailable. This variant has extremely low frequency in gnomAD v4.1.0 (MAF=0.000007629). In-silico predictions support pathogenicity of this variant (REVEL=0.74). Another missense variant [c.242C>A (p.Thr81Asn)] in the same codon has been classified as likely pathogenic by the ClinGen Phenylketonuria Variant Curation Expert Panel. In summary, this variant is likely pathogenic for PAH. PAH-specific ACMG/AMP criteria applied: PM3_strong, PP4, PM2_supporting, PM5_supporting, PP3.

PreventionGenetics, part of Exact Sciences
Classification: Likely pathogenic for PAH-related condition. Last evaluated: 2026-06-02. Review status: criteria provided, single submitter. Criteria: ACMG Guidelines, 2015. Collection method: clinical testing. Allele origin: germline. Not counted in ClinVar's aggregate classification.
Comment: The PAH c.241A>C variant is predicted to result in the amino acid substitution p.Thr81Pro. This variant has been reported along with a second pathogenic PAH variant in several individuals with phenylalanine hydroxylase deficiency (Guldberg et al. 1996. PubMed ID: 8659548; Table S2, Hillert et al. 2020. PubMed ID: 32668217). It has also been reported in two affected patients that each carried a second known causative PAH variant. Both patients were reportedly nonresponsive to treatment with tetrahydrobiopterin (Sarkissian et al. 2012. PubMed ID: 23430918). An alternate substitution of the same amino acid (p.Thr81Asn) has also been reported in association with phenylalanine hydroxylase deficiency (Supplementary Table 4, Trujillano. 2014. PubMed ID: 23942198). The c.241A>C (p.Thr81Pro) variant has not been reported in a large population database (gnomad), indicating it is rare, and the variant has been interpreted as likely pathogenic by the ClinGen PAH Variant Curation Expert Panel (Variation ID: 102637). This variant is classified as as likely pathogenic.

Quest Diagnostics Nichols Institute San Juan Capistrano
Classification: Pathogenic. Last evaluated: 2023-11-17. Review status: criteria provided, single submitter. Criteria: Quest Diagnostics criteria. Collection method: clinical testing. Allele origin: unknown. Not counted in ClinVar's aggregate classification.
Comment: The PAH c.241A>C (p.Thr81Pro) variant has been reported in the published literature in individuals with Phenylketonuria (PKU), including classical PKU cases and maternal PKU cases (PMIDs: 32668217 (2020), 23430918 (2012), 11328945 (2001), 10541324 (1999), 10429004 (1999), 9169088 (1997), 8659548 (1996)). Additionally, this variant has been associated with BH4 unresponsiveness (PMID: 23430918 (2012)). The frequency of this variant in the general population, 0.000015 (1/68014 chromosomes (Genome Aggregation Database)), is consistent with pathogenicity. Analysis of this variant using bioinformatics tools for the prediction of the effect of amino acid changes on protein structure and function yielded predictions that this variant is damaging. Based on the available information, this variant is classified as pathogenic.

Labcorp Genetics (formerly Invitae), Labcorp
Classification: Pathogenic for Phenylketonuria. Last evaluated: 2023-11-04. Review status: criteria provided, single submitter. Criteria: Invitae Variant Classification Sherloc (09022015). Collection method: clinical testing. Allele origin: germline. Not counted in ClinVar's aggregate classification.
Comment: This sequence change replaces threonine, which is neutral and polar, with proline, which is neutral and non-polar, at codon 81 of the PAH protein (p.Thr81Pro). This variant is not present in population databases (gnomAD no frequency). This missense change has been observed in individual(s) with phenylketonuria (PMID: 8659548, 23430918). ClinVar contains an entry for this variant (Variation ID: 102637). Advanced modeling of protein sequence and biophysical properties (such as structural, functional, and spatial information, amino acid conservation, physicochemical variation, residue mobility, and thermodynamic stability) performed at Invitae indicates that this missense variant is not expected to disrupt PAH protein function with a negative predictive value of 80%. For these reasons, this variant has been classified as Pathogenic.

Baylor Genetics
Classification: Pathogenic for Phenylketonuria. Last evaluated: 2023-04-25. Review status: criteria provided, single submitter. Criteria: ACMG Guidelines, 2015. Collection method: clinical testing. Allele origin: unknown. Not counted in ClinVar's aggregate classification.

Women's Health and Genetics/Laboratory Corporation of America, LabCorp
Classification: Likely pathogenic for Phenylketonuria. Last evaluated: 2019-10-31. Review status: criteria provided, single submitter. Criteria: LabCorp Variant Classification Summary - May 2015. Collection method: clinical testing. Allele origin: germline. Not counted in ClinVar's aggregate classification.
Comment: Variant summary: PAH c.241A>C (p.Thr81Pro) results in a non-conservative amino acid change located in the ACT domain (IPR002912) of the encoded protein sequence. Five of five in-silico tools predict a damaging effect of the variant on protein function. The variant was absent in 251436 control chromosomes (gnomAD). c.241A>C has been reported in the literature in individuals affected with Phenylalanine Hydroxylase Deficiency (Phenylketonuria) (Guldberg_1996, Sarkissian_2012, Enns_1999). These data indicate that the variant is likely to be associated with disease. Another variant affecting the same codon (c.242C>A, p.T81N) has been classified as likely pathogenic in ClinVar by the ClinGen PAH Variant Curation Expert Panel (Variation ID: 208180). To our knowledge, no experimental evidence demonstrating an impact on protein function has been reported. No clinical diagnostic laboratories have submitted clinical-significance assessments for this variant to ClinVar after 2014. Based on the evidence outlined above, the variant was classified as likely pathogenic.

DeBelle Laboratory for Biochemical Genetics, MUHC/MCH RESEARCH INSTITUTE
No classification provided. Review status: no classification provided. Collection method: not provided. Allele origin: not provided. Not counted in ClinVar's aggregate classification.

Literature cited by the submitters: PubMed 32668217 (cited by Quest Diagnostics Nichols Institute San Juan Capistrano); PubMed 8659548 (cited by 3 submitters); PubMed 9169088 (cited by Quest Diagnostics Nichols Institute San Juan Capistrano and Women's Health and Genetics/Laboratory Corporation of America, LabCorp); PubMed 10541324 (cited by Quest Diagnostics Nichols Institute San Juan Capistrano and Women's Health and Genetics/Laboratory Corporation of America, LabCorp); PubMed 23430918 (cited by 3 submitters); PubMed 10429004 (cited by Quest Diagnostics Nichols Institute San Juan Capistrano and Women's Health and Genetics/Laboratory Corporation of America, LabCorp); PubMed 11328945 (cited by Quest Diagnostics Nichols Institute San Juan Capistrano and Women's Health and Genetics/Laboratory Corporation of America, LabCorp); PubMed 10527663 (cited by Women's Health and Genetics/Laboratory Corporation of America, LabCorp).